The following is an entry in ClinVar:

NM_001161352.2(KCNMA1):c.2647A>G (p.Ile883Val)

Genes: KCNMA1 (potassium calcium-activated channel subfamily M alpha 1; minus strand), KCNMA1-AS1 (KCNMA1 antisense RNA 1; plus strand). Cytogenetic location: 10q22.3.
Variant type: single nucleotide variant.
Coding change: c.2647A>G on transcript NM_001161352.2 (MANE Select); coding-DNA position 2647, A replaced by G.
Protein change: p.Ile883Val; replaces isoleucine 883 with valine.
Molecular consequence: missense variant.
Genome position (GRCh38, 1-based): chr10:76,949,204, T>C on the plus strand (A>G on the coding strand, the complement: KCNMA1 is on the minus strand). VCF-style: chr10-76949204-T-C. GRCh37 (hg19) VCF-style: chr10-78708962-T-C.
Other names: c.2596A>G, p.Ile866Val (NM_001161353.2); c.2323A>G, p.Ile775Val (NM_001271518.2); c.2482A>G, p.Ile828Val (NM_001271519.2, NM_001322829.2, NM_001322836.2); c.2494A>G, p.Ile832Val (NM_001322830.2); c.2473A>G, p.Ile825Val (NM_001322832.2, NM_001410940.1, NM_002247.4); c.2485A>G, p.Ile829Val (NM_001322835.2, NM_001322837.2, NM_001014797.3); c.2020A>G, p.Ile674Val (NM_001322838.2); short protein forms I674V, I775V, I825V, I828V, I829V, I832V, I866V, I883V.
Identifiers: ClinVar variation 2640614 (VCV002640614.24), dbSNP rs2065331989, ClinGen allele CA377406197.

ClinVar aggregate classification (germline): Uncertain significance (1 of 4 stars; one submission).

Allele frequency attached by ClinVar (database versions not stated): gnomAD exomes below 0.00001; TOPMed 0.00001.
gnomAD v4.1: 1 of 1,614,166 alleles (0.000062%); highest among the groups gnomAD compares: South Asian, 0.0011%; no homozygotes.

Submission:

CeGaT Center for Human Genetics Tuebingen
Classification: Uncertain significance. Last evaluated: 2023-02-01. Review status: criteria provided, single submitter. Criteria: CeGaT Center For Human Genetics Tuebingen Variant Classification Criteria Version 2. Collection method: clinical testing. Allele origin: germline. Affected: yes. Observed: 1 variant allele.
Comment: KCNMA1: PM2, PP2